The following is an entry in ClinVar:

ClinVar aggregate classification (germline): Uncertain significance. Review status: criteria provided, multiple submitters, no conflicts (2 of 4 stars). 2 submissions from 2 submitters: Uncertain significance (2). Last evaluated 2023-04-09.

Conditions:
Hereditary cancer-predisposing syndrome. Also called: Neoplastic Syndromes, Hereditary; Hereditary Cancer Syndrome; Hereditary neoplastic syndrome; Tumor predisposition. Identifiers: Orphanet 140162, MedGen C0027672, MeSH D009386, MONDO:0015356.
DICER1-related tumor predisposition. Also called: DICER1 syndrome; DICER1-related pleuropulmonary blastoma cancer predisposition syndrome. Identifiers: Orphanet 284343, MedGen C3839822, MONDO:0100216.

Allele frequency attached by ClinVar (database versions not stated): gnomAD exomes below 0.00001.
gnomAD v4.1: 1 of 1,614,162 alleles (0.000062%); highest among the groups gnomAD compares: South Asian, 0.0011%; no homozygotes.

Submissions (2):

Ambry Genetics
Classification: Uncertain significance for Hereditary cancer-predisposing syndrome. Last evaluated: 2023-04-09. Review status: criteria provided, single submitter. Criteria: Ambry Variant Classification Scheme 2023. Collection method: clinical testing. Allele origin: germline.
Comment: The p.I1040T variant (also known as c.3119T>C), located in coding exon 19 of the DICER1 gene, results from a T to C substitution at nucleotide position 3119. The isoleucine at codon 1040 is replaced by threonine, an amino acid with similar properties. This amino acid position is conserved. In addition, the in silico prediction for this alteration is inconclusive. Since supporting evidence is limited at this time, the clinical significance of this alteration remains unclear.

Labcorp Genetics (formerly Invitae), Labcorp
Classification: Uncertain significance for DICER1-related tumor predisposition. Last evaluated: 2019-02-19. Review status: criteria provided, single submitter. Criteria: Invitae Variant Classification Sherloc (09022015). Collection method: clinical testing. Allele origin: germline.
Comment: In summary, the available evidence is currently insufficient to determine the role of this variant in disease. Therefore, it has been classified as a Variant of Uncertain Significance. Algorithms developed to predict the effect of missense changes on protein structure and function (SIFT, PolyPhen-2, Align-GVGD) all suggest that this variant is likely to be disruptive, but these predictions have not been confirmed by published functional studies and their clinical significance is uncertain. This variant has not been reported in the literature in individuals with DICER1-related conditions. This variant is not present in population databases (ExAC no frequency). This sequence change replaces isoleucine with threonine at codon 1040 of the DICER1 protein (p.Ile1040Thr). The isoleucine residue is highly conserved and there is a moderate physicochemical difference between isoleucine and threonine.

NM_177438.3(DICER1):c.3119T>C (p.Ile1040Thr)

Gene: DICER1 (dicer 1, ribonuclease III; minus strand). Cytogenetic location: 14q32.13.
Variant type: single nucleotide variant.
Coding change: c.3119T>C on transcript NM_177438.3 (MANE Select); coding-DNA position 3119, T replaced by C.
Protein change: p.Ile1040Thr; replaces isoleucine 1040 with threonine.
Molecular consequence: missense variant.
Genome position (GRCh38, 1-based): chr14:95,105,221, A>G on the plus strand (T>C on the coding strand, the complement: DICER1 is on the minus strand). VCF-style: chr14-95105221-A-G. GRCh37 (hg19) VCF-style: chr14-95571558-A-G.
Other names: c.3119T>C, p.Ile1040Thr (NM_001195573.1, NM_001271282.3, NM_001291628.2 and 1 more transcripts); short protein forms I1040T.
Identifiers: ClinVar variation 847092 (VCV000847092.12), dbSNP rs1891307778, ClinGen allele CA390876880.
Genomic context (GRCh38, chr14:95,105,221, plus strand): 5'-CGATAAAGTATGCTGGGGAGACAAACAGCTTTTCTCCACAGTGATGCTGGAATTGGATGT[A>G]TAGCACAGAGTTCTGGAACCAGTATCTTCAAGTAAGGGGAAAAATGGACAGATAAATACA-3'
Protein context (NP_803187.1, residues 1030-1050): KQILVPELCA[Ile1040Thr]HPIPASLWRK